The following is an entry in ClinVar:

ClinVar aggregate classification (germline): Pathogenic (1 of 4 stars; one submission).

Conditions:
Epidermodysplasia verruciformis. Identifiers: Orphanet 302, MedGen C0014522, MONDO:0009176.

gnomAD v4.1: 2 of 1,548,930 alleles (0.00013%); highest among the groups gnomAD compares: Admixed American, 0.0039%; no homozygotes.

Submission:

Labcorp Genetics (formerly Invitae), Labcorp
Classification: Pathogenic for Epidermodysplasia verruciformis. Last evaluated: 2025-12-18. Review status: criteria provided, single submitter. Criteria: Invitae Variant Classification Sherloc (09022015). Collection method: clinical testing. Allele origin: germline.
Comment: This sequence change creates a premature translational stop signal (p.Ser8*) in the TMC8 gene. It is expected to result in an absent or disrupted protein product. Loss-of-function variants in TMC8 are known to be pathogenic (PMID: 12426567, 22158547). The frequency data for this variant in the population databases is considered unreliable, as metrics indicate poor data quality at this position in the gnomAD database. This variant has not been reported in the literature in individuals affected with TMC8-related conditions. ClinVar contains an entry for this variant (Variation ID: 3688558). For these reasons, this variant has been classified as Pathogenic.

Literature cited by the submitters: PubMed 12426567; PubMed 22158547.

NM_152468.5(TMC8):c.23C>A (p.Ser8Ter)

Genes: TMC6 (transmembrane channel like 6; minus strand), TMC8 (transmembrane channel like 8; plus strand), LOC130061792 (ATAC-STARR-seq lymphoblastoid silent region 9043; plus strand). Cytogenetic location: 17q25.3.
Variant type: single nucleotide variant.
Coding change: c.23C>A on transcript NM_152468.5 (MANE Select); coding-DNA position 23, C replaced by A.
Protein change: p.Ser8Ter; replaces serine 8 with a stop codon.
Molecular consequence: nonsense. On other transcripts: intron variant (1).
Genome position (GRCh38, 1-based): chr17:78,131,611, C>A. VCF-style: chr17-78131611-C-A. GRCh37 (hg19) VCF-style: chr17-76127692-C-A.
Other names: c.-75+730G>T (NM_007267.7); short protein forms S8*.
Identifiers: ClinVar variation 3688558 (VCV003688558.2).
Genomic context (GRCh38, chr17:78,131,611, plus strand): 5'-GCAGCCCGGCGCCCCAGCCTCTACCCGTGCCCGCCGAGATGCTGCTGCCGCGGTCGGTGT[C>A]ATCGGAGCGGGCCCCTGGGGTGCCGGAGCCGGAGGAGCTGTGGGAGGCAGAGATGGAGCG-3'